The following is an entry in ClinVar:

ClinVar aggregate classification (germline): Uncertain significance (1 of 4 stars; one submission).

Submission:

Labcorp Genetics (formerly Invitae), Labcorp
Classification: Uncertain significance. Last evaluated: 2025-08-28. Review status: criteria provided, single submitter. Criteria: Invitae Variant Classification Sherloc (09022015). Collection method: clinical testing. Allele origin: germline.
Comment: This sequence change replaces histidine, which is basic and polar, with leucine, which is neutral and non-polar, at codon 176 of the MSN protein (p.His176Leu). This variant is not present in population databases (gnomAD no frequency). This variant has not been reported in the literature in individuals affected with MSN-related conditions. An algorithm developed to predict the effect of missense changes on protein structure and function (PolyPhen-2) suggests that this variant is likely to be disruptive. In summary, the available evidence is currently insufficient to determine the role of this variant in disease. Therefore, it has been classified as a Variant of Uncertain Significance.

NM_002444.3(MSN):c.527A>T (p.His176Leu)

Gene: MSN (moesin; plus strand). Cytogenetic location: Xq12.
Variant type: single nucleotide variant.
Coding change: c.527A>T on transcript NM_002444.3 (MANE Select); coding-DNA position 527, A replaced by T.
Protein change: p.His176Leu; replaces histidine 176 with leucine.
Molecular consequence: missense variant.
Genome position (GRCh38, 1-based): chrX:65,731,166, A>T. VCF-style: chrX-65731166-A-T. GRCh37 (hg19) VCF-style: chrX-64951028-A-T.
Other names: c.530A>T, p.His177Leu (NM_001440778.1); short protein forms H176L, H177L.
Identifiers: ClinVar variation 4726148 (VCV004726148.1).
Genomic context (GRCh38, chrX:65,731,166, plus strand): 5'-GAGTCCTGGAACAGCACAAACTCAACAAGGACCAGTGGGAGGAGCGGATCCAGGTGTGGC[A>T]TGAGGAACACCGTGGCATGCTCAGGTAAGCTTGCCCAAGCAGTGGTGGGCCCCACTTCCC-3'
Protein context (NP_002435.1, residues 166-186): DQWEERIQVW[His176Leu]EEHRGMLRED